The following is an entry in ClinVar:

ClinVar aggregate classification (germline): Uncertain significance (1 of 4 stars; one submission).

Conditions:
KIDINS220-related disorder. Also called: KIDINS220-related condition.

Submission:

PreventionGenetics, part of Exact Sciences
Classification: Uncertain significance for KIDINS220-related condition. Last evaluated: 2024-12-27. Review status: criteria provided, single submitter. Criteria: ACMG Guidelines, 2015. Collection method: clinical testing. Allele origin: germline.
Comment: The KIDINS220 c.2224A>T variant is predicted to result in the amino acid substitution p.Met742Leu. To our knowledge, this variant has not been reported in the literature or in a large population database (gnomAD), indicating this variant is rare. At this time, the clinical significance of this variant is uncertain due to the absence of conclusive functional and genetic evidence.

NM_020738.4(KIDINS220):c.2224A>T (p.Met742Leu)

Gene: KIDINS220 (kinase D interacting substrate 220; minus strand). Cytogenetic location: 2p25.1.
Variant type: single nucleotide variant.
Coding change: c.2224A>T on transcript NM_020738.4 (MANE Select); coding-DNA position 2224, A replaced by T.
Protein change: p.Met742Leu; replaces methionine 742 with leucine.
Molecular consequence: missense variant. On other transcripts: non-coding transcript variant (2).
Genome position (GRCh38, 1-based): chr2:8,785,746, T>A on the plus strand (A>T on the coding strand, the complement: KIDINS220 is on the minus strand). VCF-style: chr2-8785746-T-A. GRCh37 (hg19) VCF-style: chr2-8925876-T-A.
Other names: c.2227A>T, p.Met743Leu (NM_001348729.2, NM_001348731.2, NM_001348734.2 and 3 more transcripts); c.2224A>T, p.Met742Leu (NM_001348732.2, NM_001348735.2, NM_001348738.2 and 3 more transcripts); c.2098A>T, p.Met700Leu (NM_001348736.2); short protein forms M743L, M700L, M742L.
Identifiers: ClinVar variation 4987642 (VCV004987642.1).